The following is an entry in ClinVar:

NM_018706.7(DHTKD1):c.1226C>T (p.Thr409Ile)

Gene: DHTKD1 (dehydrogenase E1 and transketolase domain containing 1; plus strand). Cytogenetic location: 10p14.
Variant type: single nucleotide variant.
Coding change: c.1226C>T on transcript NM_018706.7 (MANE Select); coding-DNA position 1226, C replaced by T.
Protein change: p.Thr409Ile; replaces threonine 409 with isoleucine.
Molecular consequence: missense variant.
Genome position (GRCh38, 1-based): chr10:12,094,139, C>T. VCF-style: chr10-12094139-C-T. GRCh37 (hg19) VCF-style: chr10-12136138-C-T.
Other names: short protein forms T409I.
Identifiers: ClinVar variation 3618554 (VCV003618554.2).

ClinVar aggregate classification (germline): Uncertain significance (1 of 4 stars; one submission).

Conditions:
2-aminoadipic 2-oxoadipic aciduria (AAKAD). Also called: ALPHA-AMINOADIPIC AND ALPHA-KETOADIPIC ACIDURIA; Aminoadipic aciduria. Identifiers: Orphanet 79154, MedGen C1859817, MONDO:0008774, OMIM 204750.

gnomAD v4.1: 2 of 1,614,128 alleles (0.00012%); highest among the groups gnomAD compares: South Asian, 0.0011%; no homozygotes.

Submission:

Labcorp Genetics (formerly Invitae), Labcorp
Classification: Uncertain significance for 2-aminoadipic 2-oxoadipic aciduria. Last evaluated: 2024-05-31. Review status: criteria provided, single submitter. Criteria: Invitae Variant Classification Sherloc (09022015). Collection method: clinical testing. Allele origin: germline.
Comment: This sequence change replaces threonine, which is neutral and polar, with isoleucine, which is neutral and non-polar, at codon 409 of the DHTKD1 protein (p.Thr409Ile). This variant is present in population databases (rs750044852, gnomAD 0.0009%). This variant has not been reported in the literature in individuals affected with DHTKD1-related conditions. Advanced modeling of protein sequence and biophysical properties (such as structural, functional, and spatial information, amino acid conservation, physicochemical variation, residue mobility, and thermodynamic stability) performed at Invitae indicates that this missense variant is not expected to disrupt DHTKD1 protein function with a negative predictive value of 80%. In summary, the available evidence is currently insufficient to determine the role of this variant in disease. Therefore, it has been classified as a Variant of Uncertain Significance.